The following is an entry in ClinVar:

NM_017654.4(SAMD9):c.2210A>G (p.His737Arg)

Gene: SAMD9 (sterile alpha motif domain containing 9; minus strand). Cytogenetic location: 7q21.2.
Variant type: single nucleotide variant.
Coding change: c.2210A>G on transcript NM_017654.4 (MANE Select); coding-DNA position 2210, A replaced by G.
Protein change: p.His737Arg; replaces histidine 737 with arginine.
Molecular consequence: missense variant.
Genome position (GRCh38, 1-based): chr7:93,103,888, T>C on the plus strand (A>G on the coding strand, the complement: SAMD9 is on the minus strand). VCF-style: chr7-93103888-T-C. GRCh37 (hg19) VCF-style: chr7-92733201-T-C.
Other names: c.2210A>G, p.His737Arg (NM_001193307.2); c.2210A>G (NM_017654.3); short protein forms H737R.
Identifiers: ClinVar variation 1378843 (VCV001378843.10), dbSNP rs749002104, ClinGen allele CA4342874.
Genomic context (GRCh38, chr7:93,103,888, plus strand): 5'-TTCTTCCTTAGTTCCCAGAGAATGTGCATAGCCAAGGTAGTTCCCCCACAGCCTGGATGA[T>C]GATACAGATGAATAATTTTGGTACTTGTTGGTTTAGAAGAATCTGCACAGTTTTGAATCA-3'
Protein context (NP_060124.2, residues 727-747): PTSTKIIHLY[His737Arg]HPGCGGTTLA

ClinVar aggregate classification (germline): Uncertain significance. Review status: criteria provided, multiple submitters, no conflicts (2 of 4 stars). 4 submissions from 4 submitters: Uncertain significance (4). Last evaluated 2026-06-17.

Conditions:
SAMD9-related disorder. Also called: SAMD9-related condition.
Inborn genetic diseases. Identifiers: MedGen C0950123, MeSH D030342.

Allele frequency attached by ClinVar (database versions not stated): gnomAD exomes 0.00003 and 0.00004; ExAC 0.00005; TOPMed 0.00005; gnomAD 0.00007.
gnomAD v4.1: 58 of 1,613,866 alleles (0.0036%); highest among the groups gnomAD compares: Non-Finnish European, 0.0047%; no homozygotes.

Submissions (4):

PreventionGenetics, part of Exact Sciences
Classification: Uncertain significance for SAMD9-related condition. Last evaluated: 2026-06-17. Review status: criteria provided, single submitter. Criteria: ACMG Guidelines, 2015. Collection method: clinical testing. Allele origin: germline.
Comment: The SAMD9 c.2210A>G variant is predicted to result in the amino acid substitution p.His737Arg. To our knowledge, this variant has not been reported in the literature. This variant is reported in 0.0093% of alleles in individuals of European (Non-Finnish) descent in gnomAD. At this time, the clinical significance of this variant is uncertain due to the absence of conclusive functional and genetic evidence.

Labcorp Genetics (formerly Invitae), Labcorp
Classification: Uncertain significance. Last evaluated: 2025-11-13. Review status: criteria provided, single submitter. Criteria: Invitae Variant Classification Sherloc (09022015). Collection method: clinical testing. Allele origin: germline.
Comment: This sequence change replaces histidine, which is basic and polar, with arginine, which is basic and polar, at codon 737 of the SAMD9 protein (p.His737Arg). This variant is present in population databases (rs749002104, gnomAD 0.009%). This variant has not been reported in the literature in individuals affected with SAMD9-related conditions. ClinVar contains an entry for this variant (Variation ID: 1378843). Invitae Evidence Modeling of protein sequence and biophysical properties (such as structural, functional, and spatial information, amino acid conservation, physicochemical variation, residue mobility, and thermodynamic stability) has been performed for this missense variant. However, the output from this modeling did not meet the statistical confidence thresholds required to predict the impact of this variant on SAMD9 protein function. In summary, the available evidence is currently insufficient to determine the role of this variant in disease. Therefore, it has been classified as a Variant of Uncertain Significance.

Ambry Genetics
Classification: Uncertain significance for Inborn genetic diseases. Last evaluated: 2024-10-04. Review status: criteria provided, single submitter. Criteria: Ambry Variant Classification Scheme 2023. Collection method: clinical testing. Allele origin: germline.
Comment: The p.H737R variant (also known as c.2210A>G), located in coding exon 1 of the SAMD9 gene, results from an A to G substitution at nucleotide position 2210. The histidine at codon 737 is replaced by arginine, an amino acid with highly similar properties. This amino acid position is conserved. In addition, this alteration is predicted to be deleterious by in silico analysis. Based on the available evidence, the clinical significance of this variant remains unclear.

GeneDx
Classification: Uncertain significance. Last evaluated: 2023-10-19. Review status: criteria provided, single submitter. Criteria: GeneDx Variant Classification Process June 2021. Collection method: clinical testing. Allele origin: germline. Affected: yes.
Comment: In silico analysis supports that this missense variant has a deleterious effect on protein structure/function; Has not been previously published as pathogenic or benign to our knowledge; This variant is associated with the following publications: (PMID: 28545555)